The following is an entry in ClinVar:

NM_014704.4(CEP104):c.643C>G (p.Arg215Gly)

Gene: CEP104 (centrosomal protein 104; minus strand). Cytogenetic location: 1p36.32.
Variant type: single nucleotide variant.
Coding change: c.643C>G on transcript NM_014704.4 (MANE Select); coding-DNA position 643, C replaced by G.
Protein change: p.Arg215Gly; replaces arginine 215 with glycine.
Molecular consequence: missense variant.
Genome position (GRCh38, 1-based): chr1:3,839,700, G>C on the plus strand (C>G on the coding strand, the complement: CEP104 is on the minus strand). VCF-style: chr1-3839700-G-C. GRCh37 (hg19) VCF-style: chr1-3756264-G-C.
Other names: short protein forms R215G.
Identifiers: ClinVar variation 3730951 (VCV003730951.2).

ClinVar aggregate classification (germline): Uncertain significance (1 of 4 stars; one submission).

gnomAD v4.1: 6 of 1,613,862 alleles (0.00037%); highest among the groups gnomAD compares: Non-Finnish European, 0.00051%; no homozygotes.

Submission:

GeneDx
Classification: Uncertain significance. Last evaluated: 2026-07-20. Review status: criteria provided, single submitter. Criteria: GeneDx Variant Classification Process June 2021. Collection method: clinical testing. Allele origin: germline.
Comment: Not observed at significant frequency in large population cohorts (gnomAD); In silico analysis supports that this missense variant has a deleterious effect on protein structure/function; Has not been previously published as pathogenic or benign to our knowledge